The following is an entry in ClinVar:

ClinVar aggregate classification (germline): Uncertain significance (1 of 4 stars; one submission).

Submission:

Labcorp Genetics (formerly Invitae), Labcorp
Classification: Uncertain significance. Last evaluated: 2024-12-17. Review status: criteria provided, single submitter. Criteria: Invitae Variant Classification Sherloc (09022015). Collection method: clinical testing. Allele origin: germline.
Comment: This sequence change replaces tryptophan, which is neutral and slightly polar, with cysteine, which is neutral and slightly polar, at codon 316 of the CETP protein (p.Trp316Cys). This variant is not present in population databases (gnomAD no frequency). This variant has not been reported in the literature in individuals affected with CETP-related conditions. Invitae Evidence Modeling of protein sequence and biophysical properties (such as structural, functional, and spatial information, amino acid conservation, physicochemical variation, residue mobility, and thermodynamic stability) indicates that this missense variant is not expected to disrupt CETP protein function with a negative predictive value of 80%. In summary, the available evidence is currently insufficient to determine the role of this variant in disease. Therefore, it has been classified as a Variant of Uncertain Significance.

NM_000078.3(CETP):c.948G>C (p.Trp316Cys)

Gene: CETP (cholesteryl ester transfer protein; plus strand). Cytogenetic location: 16q13.
Variant type: single nucleotide variant.
Coding change: c.948G>C on transcript NM_000078.3 (MANE Select); coding-DNA position 948, G replaced by C.
Protein change: p.Trp316Cys; replaces tryptophan 316 with cysteine.
Molecular consequence: missense variant.
Genome position (GRCh38, 1-based): chr16:56,975,118, G>C. VCF-style: chr16-56975118-G-C. GRCh37 (hg19) VCF-style: chr16-57009030-G-C.
Other names: c.768G>C, p.Trp256Cys (NM_001286085.2); short protein forms W256C, W316C.
Identifiers: ClinVar variation 3677901 (VCV003677901.2).